The following is an entry in ClinVar:

ClinVar aggregate classification (germline): Conflicting classifications of pathogenicity. Review status: criteria provided, conflicting classifications (1 of 4 stars). 2 submissions from 2 submitters: Uncertain significance (1); Likely benign (1). Last evaluated 2025-04-09.

gnomAD v4.1: 17 of 1,612,966 alleles (0.0011%); highest among the groups gnomAD compares: Admixed American, 0.0067%; no homozygotes.

Submissions (2):

Molecular Diagnostic Laboratory for Inherited Cardiovascular Disease, Montreal Heart Institute
Classification: Likely benign. Last evaluated: 2025-04-09. Review status: criteria provided, single submitter. Criteria: ACMG Guidelines, 2015. Collection method: clinical testing. Allele origin: germline. Affected: no.

GeneDx
Classification: Uncertain significance. Last evaluated: 2024-08-27. Review status: criteria provided, single submitter. Criteria: GeneDx Variant Classification Process June 2021. Collection method: clinical testing. Allele origin: germline. Affected: yes.
Comment: Not observed at significant frequency in large population cohorts (gnomAD); Missense variant in a gene in which most reported pathogenic variants are truncating/loss of function; Has not been previously published as pathogenic or benign in association with a titinopathy to our knowledge; This variant is associated with the following publications: (PMID: 31785789, 35982159, 33057194)

NM_001267550.2(TTN):c.33046G>A (p.Glu11016Lys)

Gene: TTN (titin; minus strand). Cytogenetic location: 2q31.2.
Variant type: single nucleotide variant.
Coding change: c.33046G>A on transcript NM_001267550.2 (MANE Select); coding-DNA position 33046, G replaced by A.
Protein change: p.Glu11016Lys; replaces glutamic acid 11016 with lysine.
Molecular consequence: missense variant. On other transcripts: intron variant (3).
Genome position (GRCh38, 1-based): chr2:178,682,745, C>T on the plus strand (G>A on the coding strand, the complement: TTN is on the minus strand). VCF-style: chr2-178682745-C-T. GRCh37 (hg19) VCF-style: chr2-179547472-C-T.
Other names: c.32095G>A, p.Glu10699Lys (NM_001256850.1); c.29314G>A, p.Glu9772Lys (NM_133378.4); c.13283-40428G>A (NM_003319.4); c.13859-40428G>A (NM_133437.4); c.13658-40428G>A (NM_133432.3); short protein forms E10699K, E11016K, E9772K.
Identifiers: ClinVar variation 3766105 (VCV003766105.2), dbSNP rs188482293.
Genomic context (GRCh38, chr2:178,682,745, plus strand): 5'-TTTTGCTCATACCTGTGATGTATTCTTCATGCTCTTCATATCGTTCATACTCCCGCTCCT[C>T]GTATTCTTCATATTGGTCATATTCTTCTGTTGGTTCATACTCCTCAAATTCTTTATAATC-3'
Protein context (NP_001254479.2, residues 11006-11026): TEEYDQYEEY[Glu11016Lys]EREYERYEEH